The following is an entry in ClinVar:

NM_002161.6(IARS1):c.2257A>G (p.Met753Val)

Gene: IARS1 (isoleucyl-tRNA synthetase 1; minus strand). Cytogenetic location: 9q22.31.
Variant type: single nucleotide variant.
Coding change: c.2257A>G on transcript NM_002161.6 (MANE Select); coding-DNA position 2257, A replaced by G.
Protein change: p.Met753Val; replaces methionine 753 with valine.
Molecular consequence: missense variant. On other transcripts: non-coding transcript variant (1).
Genome position (GRCh38, 1-based): chr9:92,251,858, T>C on the plus strand (A>G on the coding strand, the complement: IARS1 is on the minus strand). VCF-style: chr9-92251858-T-C. GRCh37 (hg19) VCF-style: chr9-95014140-T-C.
Other names: c.2257A>G, p.Met753Val (NM_001378577.1, NM_001378578.1, NM_001378579.1 and 12 more transcripts); c.2161A>G, p.Met721Val (NM_001378582.1); c.2134A>G, p.Met712Val (NM_001378583.1); c.2173A>G, p.Met725Val (NM_001374301.1); c.2320A>G, p.Met774Val (NM_001378569.1); c.2278A>G, p.Met760Val (NM_001378571.1); short protein forms M774V, M721V, M760V, M712V, M725V, M753V.
Identifiers: ClinVar variation 2092048 (VCV002092048.4), dbSNP rs2490509075, ClinGen allele CA373814673.
Genomic context (GRCh38, chr9:92,251,858, plus strand): 5'-ATCATCTTACCATAAGTCTGCAAAGAGAAAGCAGAACACTAAACAAGGTTTCTAGGGCCA[T>C]GACACAATCCTCCATCCCATTTTCACCCTAATGAGTAAAAAGGAAACATAAACATTAAAC-3'
Protein context (NP_002152.2, residues 743-763): KGENGMEDCV[Met753Val]ALETLFSVLL

ClinVar aggregate classification (germline): Uncertain significance (1 of 4 stars; one submission).

Submission:

Labcorp Genetics (formerly Invitae), Labcorp
Classification: Uncertain significance. Last evaluated: 2023-10-03. Review status: criteria provided, single submitter. Criteria: Invitae Variant Classification Sherloc (09022015). Collection method: clinical testing. Allele origin: germline.
Comment: This sequence change replaces methionine, which is neutral and non-polar, with valine, which is neutral and non-polar, at codon 753 of the IARS protein (p.Met753Val). This variant is not present in population databases (gnomAD no frequency). This variant has not been reported in the literature in individuals affected with IARS-related conditions. ClinVar contains an entry for this variant (Variation ID: 2092048). An algorithm developed to predict the effect of missense changes on protein structure and function (PolyPhen-2) suggests that this variant is likely to be tolerated. In summary, the available evidence is currently insufficient to determine the role of this variant in disease. Therefore, it has been classified as a Variant of Uncertain Significance.